The following is an entry in ClinVar:

NM_001130438.3(SPTAN1):c.3661C>A (p.Leu1221Met)

Gene: SPTAN1 (spectrin alpha, non-erythrocytic 1; plus strand). Cytogenetic location: 9q34.11.
Variant type: single nucleotide variant.
Coding change: c.3661C>A on transcript NM_001130438.3 (MANE Select); coding-DNA position 3661, C replaced by A.
Protein change: p.Leu1221Met; replaces leucine 1221 with methionine.
Molecular consequence: missense variant.
Genome position (GRCh38, 1-based): chr9:128,604,359, C>A. VCF-style: chr9-128604359-C-A. GRCh37 (hg19) VCF-style: chr9-131366638-C-A.
Other names: c.3601C>A, p.Leu1201Met (NM_001195532.2, NM_001363765.2, NM_001375314.2); c.3661C>A, p.Leu1221Met (NM_001363759.2, NM_001375310.1, NM_001375311.2 and 2 more transcripts); c.3697C>A, p.Leu1233Met (NM_001375312.2, NM_001375318.1); short protein forms L1201M, L1221M, L1233M.
Identifiers: ClinVar variation 3047448 (VCV003047448.4), dbSNP rs1855551492, ClinGen allele CA375063305.

ClinVar aggregate classification (germline): Uncertain significance. Review status: criteria provided, single submitter (1 of 4 stars). 2 submissions from 2 submitters: Uncertain significance (1). 1 of the submissions does not count toward it. Last evaluated 2024-02-06.

Conditions:
Early-infantile DEE. Also called: Early infantile epileptic encephalopathy with suppression bursts; Early infantile epileptic encephalopathy; Ohtahara syndrome. Identifiers: Orphanet 1934, MedGen C0393706, MONDO:0800491.
SPTAN1-related disorder. Also called: SPTAN1-related condition; SPTAN1-related disorders.

gnomAD v4.1: 1 of 1,614,036 alleles (0.000062%); no homozygotes.

Submissions (2):

Labcorp Genetics (formerly Invitae), Labcorp
Classification: Uncertain significance for Early-infantile DEE. Last evaluated: 2024-02-06. Review status: criteria provided, single submitter. Criteria: Invitae Variant Classification Sherloc (09022015). Collection method: clinical testing. Allele origin: germline.
Comment: This sequence change replaces leucine, which is neutral and non-polar, with methionine, which is neutral and non-polar, at codon 1221 of the SPTAN1 protein (p.Leu1221Met). This variant is not present in population databases (gnomAD no frequency). This variant has not been reported in the literature in individuals affected with SPTAN1-related conditions. Advanced modeling of protein sequence and biophysical properties (such as structural, functional, and spatial information, amino acid conservation, physicochemical variation, residue mobility, and thermodynamic stability) has been performed at Invitae for this missense variant, however the output from this modeling did not meet the statistical confidence thresholds required to predict the impact of this variant on SPTAN1 protein function. In summary, the available evidence is currently insufficient to determine the role of this variant in disease. Therefore, it has been classified as a Variant of Uncertain Significance.

PreventionGenetics, part of Exact Sciences
Classification: Uncertain significance for SPTAN1-related condition. Last evaluated: 2023-11-07. Review status: no assertion criteria provided. Collection method: clinical testing. Allele origin: germline. Not counted in ClinVar's aggregate classification.
Comment: The SPTAN1 c.3661C>A variant is predicted to result in the amino acid substitution p.Leu1221Met. To our knowledge, this variant has not been reported in the literature or in a large population database, indicating this variant is rare. At this time, the clinical significance of this variant is uncertain due to the absence of conclusive functional and genetic evidence.